The following is an entry in ClinVar:

NM_012062.5(DNM1L):c.1675-16A>T

Gene: DNM1L (dynamin 1 like; plus strand). Cytogenetic location: 12p11.21.
Variant type: single nucleotide variant.
Coding change: c.1675-16A>T on transcript NM_012062.5 (MANE Select); 16 bases into the intron before coding-DNA position 1675, A replaced by T.
Molecular consequence: intron variant.
Genome position (GRCh38, 1-based): chr12:32,738,248, A>T. VCF-style: chr12-32738248-A-T. GRCh37 (hg19) VCF-style: chr12-32891182-A-T.
Other names: c.1714-16A>T (NM_001278464.2); c.1713+306A>T (NM_001278465.2); c.1635+1087A>T (NM_001330380.2); c.1066-16A>T (NM_001278466.2); c.1674+306A>T (NM_001278463.2); c.1597-16A>T (NM_012063.4); c.1596+1087A>T (NM_005690.5).
Identifiers: ClinVar variation 2813615 (VCV002813615.3), dbSNP rs2541112393, ClinGen allele CA2739271924.

ClinVar aggregate classification (germline): Uncertain significance (1 of 4 stars; one submission).

Submission:

Labcorp Genetics (formerly Invitae), Labcorp
Classification: Uncertain significance. Last evaluated: 2022-11-11. Review status: criteria provided, single submitter. Criteria: Invitae Variant Classification Sherloc (09022015). Collection method: clinical testing. Allele origin: germline.
Comment: This sequence change falls in intron 15 of the DNM1L gene. It does not directly change the encoded amino acid sequence of the DNM1L protein. This variant is not present in population databases (gnomAD no frequency). This variant has not been reported in the literature in individuals affected with DNM1L-related conditions. Algorithms developed to predict the effect of sequence changes on RNA splicing suggest that this variant may create or strengthen a splice site. In summary, the available evidence is currently insufficient to determine the role of this variant in disease. Therefore, it has been classified as a Variant of Uncertain Significance.